The following is an entry in ClinVar:

NM_007194.4(CHEK2):c.825A>T (p.Glu275Asp)

Gene: CHEK2 (checkpoint kinase 2; minus strand). Cytogenetic location: 22q12.1.
Variant type: single nucleotide variant.
Coding change: c.825A>T on transcript NM_007194.4 (MANE Select); coding-DNA position 825, A replaced by T.
Protein change: p.Glu275Asp; replaces glutamic acid 275 with aspartic acid.
Molecular consequence: missense variant.
Genome position (GRCh38, 1-based): chr22:28,710,027, T>A on the plus strand (A>T on the coding strand, the complement: CHEK2 is on the minus strand). VCF-style: chr22-28710027-T-A. GRCh37 (hg19) VCF-style: chr22-29106015-T-A.
Other names: c.954A>T, p.Glu318Asp (NM_001005735.3); c.162A>T, p.Glu54Asp (NM_001257387.3); c.624A>T, p.Glu208Asp (NM_001349956.3); c.825A>T, p.Glu275Asp (NM_145862.3); short protein forms E54D, E208D, E275D, E318D.
Identifiers: ClinVar variation 1482742 (VCV001482742.10), dbSNP rs2145933082, ClinGen allele CA411102374.

ClinVar aggregate classification (germline): Uncertain significance. Review status: criteria provided, multiple submitters, no conflicts (2 of 4 stars). 2 submissions from 2 submitters: Uncertain significance (2). Last evaluated 2023-09-17.

Conditions:
Hereditary cancer-predisposing syndrome. Also called: Tumor predisposition; Hereditary Cancer Syndrome; Hereditary neoplastic syndrome; Neoplastic Syndromes, Hereditary. Identifiers: Orphanet 140162, MedGen C0027672, MeSH D009386, MONDO:0015356.
Familial cancer of breast. Also called: hereditary breast carcinoma; Hereditary breast cancer; BREAST CANCER, FAMILIAL. Identifiers: Orphanet 227535, MedGen C0346153, MONDO:0016419, OMIM 114480. Disease mechanism: loss of function.

Submissions (2):

Ambry Genetics
Classification: Uncertain significance for Hereditary cancer-predisposing syndrome. Last evaluated: 2023-09-17. Review status: criteria provided, single submitter. Criteria: Ambry Variant Classification Scheme 2023. Collection method: clinical testing. Allele origin: germline.
Comment: The p.E275D variant (also known as c.825A>T), located in coding exon 6 of the CHEK2 gene, results from an A to T substitution at nucleotide position 825. The glutamic acid at codon 275 is replaced by aspartic acid, an amino acid with highly similar properties. This amino acid position is conserved. In addition, the in silico prediction for this alteration is inconclusive. Since supporting evidence is limited at this time, the clinical significance of this alteration remains unclear.

Labcorp Genetics (formerly Invitae), Labcorp
Classification: Uncertain significance for Familial cancer of breast. Last evaluated: 2021-05-20. Review status: criteria provided, single submitter. Criteria: Invitae Variant Classification Sherloc (09022015). Collection method: clinical testing. Allele origin: germline.
Comment: In summary, the available evidence is currently insufficient to determine the role of this variant in disease. Therefore, it has been classified as a Variant of Uncertain Significance. Algorithms developed to predict the effect of missense changes on protein structure and function (SIFT, PolyPhen-2, Align-GVGD) all suggest that this variant is likely to be tolerated, but these predictions have not been confirmed by published functional studies and their clinical significance is uncertain. This variant has not been reported in the literature in individuals with CHEK2-related conditions. This variant is not present in population databases (ExAC no frequency). This sequence change replaces glutamic acid with aspartic acid at codon 275 of the CHEK2 protein (p.Glu275Asp). The glutamic acid residue is moderately conserved and there is a small physicochemical difference between glutamic acid and aspartic acid.